The following is an entry in ClinVar:

NM_001256545.2(MEGF10):c.914A>T (p.Glu305Val)

Gene: MEGF10 (multiple EGF like domains 10; plus strand). Cytogenetic location: 5q23.2.
Variant type: single nucleotide variant.
Coding change: c.914A>T on transcript NM_001256545.2 (MANE Select); coding-DNA position 914, A replaced by T.
Protein change: p.Glu305Val; replaces glutamic acid 305 with valine.
Molecular consequence: missense variant.
Genome position (GRCh38, 1-based): chr5:127,402,679, A>T. VCF-style: chr5-127402679-A-T. GRCh37 (hg19) VCF-style: chr5-126738371-A-T.
Other names: c.914A>T, p.Glu305Val (NM_001308119.2, NM_001308121.2, NM_032446.3); short protein forms E305V.
Identifiers: ClinVar variation 1518477 (VCV001518477.7), dbSNP rs902150958, ClinGen allele CA126934511.
Genomic context (GRCh38, chr5:127,402,679, plus strand): 5'-ATGGAGGGACGTGTGATGCTGCCACAGGCCAATGTCATTGCAGTCCAGGATACACAGGGG[A>T]ACGGTAAGGGATGCCCTTGTATTTCTCTGACTGTTTATAATGATGTGAAAGGAAAGTTTG-3'
Protein context (NP_001243474.1, residues 295-315): QCHCSPGYTG[Glu305Val]RCQDECPVGT

ClinVar aggregate classification (germline): Uncertain significance (1 of 4 stars; one submission).

Conditions:
MEGF10-related myopathy (CMYO10A). Also called: Congenital myopathy 10A, severe variant. Identifiers: Orphanet 439212, MedGen C3280679, MONDO:0013731, OMIM 614399.

Allele frequency attached by ClinVar (database versions not stated): gnomAD exomes below 0.00001; gnomAD 0.00001; TOPMed 0.00002.
gnomAD v4.1: 2 of 1,613,856 alleles (0.00012%); highest among the groups gnomAD compares: Admixed American, 0.0017%; no homozygotes.

Submission:

Labcorp Genetics (formerly Invitae), Labcorp
Classification: Uncertain significance for MEGF10-related myopathy. Last evaluated: 2021-07-02. Review status: criteria provided, single submitter. Criteria: Invitae Variant Classification Sherloc (09022015). Collection method: clinical testing. Allele origin: germline.
Comment: In summary, the available evidence is currently insufficient to determine the role of this variant in disease. Therefore, it has been classified as a Variant of Uncertain Significance. Algorithms developed to predict the effect of sequence changes on RNA splicing suggest that this variant may create or strengthen a splice site. Algorithms developed to predict the effect of missense changes on protein structure and function (SIFT, PolyPhen-2, Align-GVGD) all suggest that this variant is likely to be disruptive. This variant has not been reported in the literature in individuals affected with MEGF10-related conditions. This variant is not present in population databases (ExAC no frequency). This sequence change replaces glutamic acid with valine at codon 305 of the MEGF10 protein (p.Glu305Val). The glutamic acid residue is highly conserved and there is a moderate physicochemical difference between glutamic acid and valine.